The following is an entry in ClinVar:

NM_007186.6(CEP250):c.1627A>T (p.Ile543Phe)

Genes: CEP250 (centrosomal protein 250; plus strand), CEP250-AS1 (CEP250 antisense RNA 1; minus strand). Cytogenetic location: 20q11.22.
Variant type: single nucleotide variant.
Coding change: c.1627A>T on transcript NM_007186.6 (MANE Select); coding-DNA position 1627, A replaced by T.
Protein change: p.Ile543Phe; replaces isoleucine 543 with phenylalanine.
Molecular consequence: missense variant. On other transcripts: 5 prime UTR variant (1).
Genome position (GRCh38, 1-based): chr20:35,475,557, A>T. VCF-style: chr20-35475557-A-T. GRCh37 (hg19) VCF-style: chr20-34063382-A-T.
Other names: c.-273A>T (NM_001318219.1); short protein forms I543F.
Identifiers: ClinVar variation 1943116 (VCV001943116.5), dbSNP rs571236060, ClinGen allele CA408764475.

ClinVar aggregate classification (germline): Uncertain significance (1 of 4 stars; one submission).

gnomAD v4.1: 1 of 1,614,168 alleles (0.000062%); highest among the groups gnomAD compares: Non-Finnish European, 0.000085%; no homozygotes.

Submission:

Labcorp Genetics (formerly Invitae), Labcorp
Classification: Uncertain significance. Last evaluated: 2022-06-14. Review status: criteria provided, single submitter. Criteria: Invitae Variant Classification Sherloc (09022015). Collection method: clinical testing. Allele origin: germline.
Comment: In summary, the available evidence is currently insufficient to determine the role of this variant in disease. Therefore, it has been classified as a Variant of Uncertain Significance. Algorithms developed to predict the effect of missense changes on protein structure and function are either unavailable or do not agree on the potential impact of this missense change (SIFT: "Not Available"; PolyPhen-2: "Possibly Damaging"; Align-GVGD: "Not Available"). This variant has not been reported in the literature in individuals affected with CEP250-related conditions. This variant is not present in population databases (gnomAD no frequency). This sequence change replaces isoleucine, which is neutral and non-polar, with phenylalanine, which is neutral and non-polar, at codon 543 of the CEP250 protein (p.Ile543Phe).